The following is an entry in ClinVar:

ClinVar aggregate classification (germline): Benign. Review status: criteria provided, multiple submitters, no conflicts (2 of 4 stars). 2 submissions from 2 submitters: Benign (2). Last evaluated 2017-04-27.

Conditions:
Pontocerebellar hypoplasia type 2D (PCH2D). Also called: Progressive cerebello-cerebral atrophy. Identifiers: Orphanet 247198, Orphanet 2524, MedGen C3151140, MONDO:0013438, OMIM 613811.

Allele frequency attached by ClinVar (database versions not stated): gnomAD exomes 0.16667; 1000 Genomes Project 30x 0.26093; 1000 Genomes Project 0.26278; TOPMed 0.35303; gnomAD 0.37790 and 0.38145.
gnomAD v4.1: 57,591 of 152,076 alleles (38%); highest among the groups gnomAD compares: Non-Finnish European, 50%; 13,009 homozygotes.

Submissions (2):

Illumina Laboratory Services, Illumina
Classification: Benign for Pontocerebellar hypoplasia type 2D. Last evaluated: 2017-04-27. Review status: criteria provided, single submitter. Criteria: ICSL Variant Classification Criteria 13 December 2019. Collection method: clinical testing. Allele origin: germline.
Comment: This variant was observed as part of a predisposition screen in an ostensibly healthy population. A literature search was performed for the gene, cDNA change, and amino acid change (where applicable). No publications were found based on this search. Allele frequency data from public databases was too high to be consistent with this variant causing disease. Therefore, this variant is classified as benign.

Breakthrough Genomics
Classification: Benign. Review status: criteria provided, single submitter. Criteria: ACMG Guidelines, 2015. Collection method: not provided. Allele origin: germline. Inheritance: Autosomal recessive inheritance. Affected: yes.

NM_016955.4(SEPSECS):c.*807A>G

Gene: SEPSECS (Sep (O-phosphoserine) tRNA:Sec (selenocysteine) tRNA synthase; minus strand). Cytogenetic location: 4p15.2.
Variant type: single nucleotide variant.
Coding change: c.*807A>G on transcript NM_016955.4 (MANE Select); 807 bases downstream of the stop codon, A replaced by G.
Molecular consequence: 3 prime UTR variant.
Genome position (GRCh38, 1-based): chr4:25,123,124, T>C on the plus strand (A>G on the coding strand, the complement: SEPSECS is on the minus strand). VCF-style: chr4-25123124-T-C. GRCh37 (hg19) VCF-style: chr4-25124746-T-C.
Identifiers: ClinVar variation 348536 (VCV000348536.6), dbSNP rs13109061, ClinGen allele CA10620796.